The following is an entry in ClinVar:

NM_145294.5(WDR90):c.3990C>T (p.Ala1330=)

Gene: WDR90 (WD repeat domain 90; plus strand). Cytogenetic location: 16p13.3.
Variant type: single nucleotide variant.
Coding change: c.3990C>T on transcript NM_145294.5 (MANE Select); coding-DNA position 3990, C replaced by T.
Protein change: p.Ala1330=; no amino-acid change (alanine 1330 retained).
Molecular consequence: synonymous variant.
Genome position (GRCh38, 1-based): chr16:662,016, C>T. VCF-style: chr16-662016-C-T. GRCh37 (hg19) VCF-style: chr16-712016-C-T.
Identifiers: ClinVar variation 2645841 (VCV002645841.24), dbSNP rs114487868, ClinGen allele CA7784193.
Genomic context (GRCh38, chr16:662,016, plus strand): 5'-ACCTCCCCTGCTCTATTGTGGCACCAGCTCTGGCCAGGTCTGTGTCTGGGACACGCGTGC[C>T]GGCCGCTGCTTCTTGTCCTGGGAGGCGGATGACGGTGGCATTGGTGAGTGCCCCGCAGAA-3'
Protein context (NP_660337.3, residues 1320-1340): SGQVCVWDTR[Ala1330=]GRCFLSWEAD

ClinVar aggregate classification (germline): Likely benign (1 of 4 stars; one submission).

Allele frequency attached by ClinVar (database versions not stated): gnomAD exomes 0.00008; ExAC 0.00017; ESP Exome Variant Server 0.00040; gnomAD 0.00066; TOPMed 0.00076; 1000 Genomes Project 0.00100; 1000 Genomes Project 30x 0.00109.
gnomAD v4.1: 213 of 1,603,432 alleles (0.013%); highest among the groups gnomAD compares: African/African-American, 0.19%; no homozygotes.

Submission:

CeGaT Center for Human Genetics Tuebingen
Classification: Likely benign. Last evaluated: 2022-05-01. Review status: criteria provided, single submitter. Criteria: CeGaT Center For Human Genetics Tuebingen Variant Classification Criteria Version 2. Collection method: clinical testing. Allele origin: germline. Affected: yes. Observed: 1 variant allele.
Comment: WDR90: BP4, BP7